The following is an entry in ClinVar:

ClinVar aggregate classification (germline): Likely pathogenic (1 of 4 stars; one submission).

Conditions:
Medium-chain acyl-coenzyme A dehydrogenase deficiency (ACADMD). Also called: Medium chain acyl-CoA dehydrogenase deficiency; ACADM DEFICIENCY; CARNITINE DEFICIENCY SECONDARY TO MEDIUM-CHAIN ACYL-CoA DEHYDROGENASE DEFICIENCY; MCADH DEFICIENCY; MCADD; MCAD Deficiency. Identifiers: Orphanet 42, MedGen C0220710, MONDO:0008721, OMIM 201450.

Allele frequency attached by ClinVar (database versions not stated): TOPMed below 0.00001.

Submission:

Labcorp Genetics (formerly Invitae), Labcorp
Classification: Likely pathogenic for Medium-chain acyl-coenzyme A dehydrogenase deficiency. Last evaluated: 2022-11-21. Review status: criteria provided, single submitter. Criteria: Invitae Variant Classification Sherloc (09022015). Collection method: clinical testing. Allele origin: germline.
Comment: In summary, the currently available evidence indicates that the variant is pathogenic, but additional data are needed to prove that conclusively. Therefore, this variant has been classified as Likely Pathogenic. Advanced modeling of protein sequence and biophysical properties (such as structural, functional, and spatial information, amino acid conservation, physicochemical variation, residue mobility, and thermodynamic stability) performed at Invitae indicates that this missense variant is expected to disrupt ACADM protein function. This missense change has been observed in individual(s) with clinical features of medium-chain acyl-coenzyme A dehydrogenase deficiency (Invitae). In at least one individual the data is consistent with being in trans (on the opposite chromosome) from a pathogenic variant. This variant is not present in population databases (gnomAD no frequency). This sequence change replaces isoleucine, which is neutral and non-polar, with methionine, which is neutral and non-polar, at codon 396 of the ACADM protein (p.Ile396Met).

NM_000016.6(ACADM):c.1188C>G (p.Ile396Met)

Gene: ACADM (acyl-CoA dehydrogenase medium chain; plus strand). Cytogenetic location: 1p31.1.
Variant type: single nucleotide variant.
Coding change: c.1188C>G on transcript NM_000016.6 (MANE Select); coding-DNA position 1188, C replaced by G.
Protein change: p.Ile396Met; replaces isoleucine 396 with methionine.
Molecular consequence: missense variant.
Genome position (GRCh38, 1-based): chr1:75,761,364, C>G. VCF-style: chr1-75761364-C-G. GRCh37 (hg19) VCF-style: chr1-76227049-C-G.
Other names: c.1200C>G, p.Ile400Met (NM_001127328.3); c.1080C>G, p.Ile360Met (NM_001286042.2); c.1287C>G, p.Ile429Met (NM_001286043.2); c.621C>G, p.Ile207Met (NM_001286044.2); short protein forms I400M, I207M, I360M, I396M, I429M.
Identifiers: ClinVar variation 2917034 (VCV002917034.3), dbSNP rs1236179603, ClinGen allele CA340818356.
Genomic context (GRCh38, chr1:75,761,364, plus strand): 5'-TGGAGGCAATGGATTTAATACAGAATATCCTGTAGAAAAACTAATGAGGGATGCCAAAAT[C>G]TATCAGGTAAGGTTAAAGATGATTTTTTTGGTTTGCAAGGAGAGAGAATATTCATAAATG-3'
Protein context (NP_000007.1, residues 386-406): PVEKLMRDAK[Ile396Met]YQIYEGTSQI